The following is an entry in ClinVar:

NM_007294.4(BRCA1):c.2183G>A (p.Arg728Lys)

Gene: BRCA1 (BRCA1 DNA repair associated; minus strand). Cytogenetic location: 17q21.31.
Variant type: single nucleotide variant.
Coding change: c.2183G>A on transcript NM_007294.4 (MANE Select); coding-DNA position 2183, G replaced by A.
Protein change: p.Arg728Lys; replaces arginine 728 with lysine.
Molecular consequence: missense variant. On other transcripts: intron variant (137).
Genome position (GRCh38, 1-based): chr17:43,093,348, C>T on the plus strand (G>A on the coding strand, the complement: BRCA1 is on the minus strand). VCF-style: chr17-43093348-C-T. GRCh37 (hg19) VCF-style: chr17-41245365-C-T.
Other names: 2302G>A; c.787+1396G>A (NM_007298.4, NM_001407978.1, NM_001407979.1 and 17 more transcripts); c.643+1396G>A (NM_001408462.1, NM_001408470.1, NM_001408464.1 and 3 more transcripts); c.709+1396G>A (NM_001408414.1, NM_001408411.1, NM_001408415.1 and 2 more transcripts); c.577+1396G>A (NM_001408514.1, NM_001408485.1, NM_001408483.1 and 9 more transcripts); c.661+1396G>A (NM_001408447.1, NM_001408433.1, NM_001408446.1 and 6 more transcripts); c.784+1396G>A (NM_001408400.1, NM_001408392.1, NM_001407986.1 and 13 more transcripts); c.664+1396G>A (NM_001408441.1, NM_001408437.1, NM_001408429.1 and 12 more transcripts); and 42 more; short protein forms R728K, R681K, R560K, R601K, R639K, R640K, R661K, R687K.
Identifiers: ClinVar variation 54487 (VCV000054487.70), dbSNP rs80357335, ClinGen allele CA001458.

ClinVar aggregate classification (germline): Conflicting classifications of pathogenicity. Review status: criteria provided, conflicting classifications (1 of 4 stars). 13 submissions from 13 submitters: Uncertain significance (7); Likely benign (2). 4 of the submissions do not count toward it. Last evaluated 2025-08-02.

Conditions:
Hereditary cancer-predisposing syndrome. Also called: Hereditary Cancer Syndrome; Tumor predisposition; Neoplastic Syndromes, Hereditary; Hereditary neoplastic syndrome. Identifiers: Orphanet 140162, MedGen C0027672, MeSH D009386, MONDO:0015356.
Hereditary breast ovarian cancer syndrome. Also called: Breast and ovarian cancer; BRCA1- and BRCA2-Associated Hereditary Breast and Ovarian Cancer; Hereditary breast and ovarian cancer; Hereditary breast and ovarian cancer syndrome (HBOC); Hereditary breast and ovarian cancer syndrome; Hereditary breast and/or ovarian cancer syndrome. Identifiers: Orphanet 145, MedGen C0677776, MeSH D061325, MONDO:0003582. Disease mechanism: loss of function.
Breast-ovarian cancer, familial, susceptibility to, 1 (BROVCA1). Also called: BRCA1 Hereditary Breast and Ovarian Cancer; OVARIAN CANCER, SUSCEPTIBILITY TO. Identifiers: Orphanet 145, MedGen C2676676, MONDO:0011450, OMIM 604370. Disease mechanism: loss of function.
Malignant tumor of breast. Also called: Malignant breast neoplasm; Cancer breast. Identifiers: MedGen C0006142, MONDO:0007254. Disease mechanism: loss of function.

Allele frequency attached by ClinVar (database versions not stated): TOPMed below 0.00001; gnomAD 0.00001; gnomAD exomes 0.00001; ExAC 0.00002.
gnomAD v4.1: 14 of 1,613,300 alleles (0.00087%); highest among the groups gnomAD compares: Non-Finnish European, 0.00085%; no homozygotes.

Submissions 1 to 8 of 13:

Labcorp Genetics (formerly Invitae), Labcorp
Classification: Likely benign for Hereditary breast ovarian cancer syndrome. Last evaluated: 2025-08-02. Review status: criteria provided, single submitter. Criteria: Invitae Variant Classification Sherloc (09022015). Collection method: clinical testing. Allele origin: germline.

Color Diagnostics, LLC DBA Color Health
Classification: Uncertain significance for Hereditary cancer-predisposing syndrome. Last evaluated: 2025-07-21. Review status: criteria provided, single submitter. Criteria: ACMG Guidelines, 2015. Collection method: clinical testing. Allele origin: germline.
Comment: This missense variant replaces arginine with lysine at codon 728 of the BRCA1 protein. Computational prediction suggests that this variant may not impact protein structure and function. To our knowledge, functional studies have not been reported for this variant. This variant has been detected in a breast cancer case-control meta-analysis in 2/60463 cases and 3/53461 unaffected individuals (PMID: 33471991Leiden Open Variation Database DB-ID BRCA1_000189). A multifactorial analysis also has reported likelihood ratios for pathogenicity based on co-occurrence with a pathogenic variant and family history of 1.0331 and 0.1275, respectively (PMID: 31131967). This variant has been identified in 2/250524 chromosomes in the general population by the Genome Aggregation Database (gnomAD). The available evidence is insufficient to determine the role of this variant in disease conclusively. Therefore, this variant is classified as a Variant of Uncertain Significance.

Quest Diagnostics Nichols Institute San Juan Capistrano
Classification: Uncertain significance. Last evaluated: 2025-01-14. Review status: criteria provided, single submitter. Criteria: Quest Diagnostics criteria. Collection method: clinical testing. Allele origin: unknown.
Comment: The BRCA1 c.2183G>A (p.Arg728Lys) variant has been reported in the published literature in individuals with endometrial cancer (PMID: 32885271 (2021)) and breast cancer (PMID: 33471991 (2021), see also LOVD). This variant has been reported to be located in region of the BRCA1 gene that is tolerant to missense sequence changes (PMID: 31911673 (2020)). In addition, this variant was reported as being likely benign in a multifactorial likelihood study (PMID: 31131967 (2019)). The frequency of this variant in the general population (Genome Aggregation Database) is uninformative in the assessment of its pathogenicity. Analysis of this variant using bioinformatics tools for the prediction of the effect of amino acid changes on protein structure and function yielded conflicting predictions that this variant is benign or damaging. Based on the available information, we are unable to determine the clinical significance of this variant.

CeGaT Center for Human Genetics Tuebingen
Classification: Uncertain significance. Last evaluated: 2025-01-01. Review status: criteria provided, single submitter. Criteria: CeGaT Center For Human Genetics Tuebingen Variant Classification Criteria Version 2. Collection method: clinical testing. Allele origin: germline. Affected: yes. Observed: 2 variant alleles.
Comment: BRCA1: PM2, BP1, BP4

Ambry Genetics
Classification: Uncertain significance for Hereditary cancer-predisposing syndrome. Last evaluated: 2024-06-03. Review status: criteria provided, single submitter. Criteria: Ambry Variant Classification Scheme 2023. Collection method: clinical testing. Allele origin: germline.
Comment: The p.R728K variant (also known as c.2183G>A), located in coding exon 9 of the BRCA1 gene, results from a G to A substitution at nucleotide position 2183. The arginine at codon 728 is replaced by lysine, an amino acid with highly similar properties. In one study, this variant was classified as likely to be neutral or of little clinical significance based on sequence alignment and chemical properties of the variant amino acid (Abkevich V et al. J. Med. Genet. 2004;41(7):492-507). This amino acid position is not well conserved in available vertebrate species. In addition, the in silico prediction for this alteration is inconclusive. Since supporting evidence is limited at this time, the clinical significance of this alteration remains unclear.

All of Us Research Program, National Institutes of Health
Classification: Uncertain significance for Breast-ovarian cancer, familial, susceptibility to, 1. Last evaluated: 2023-08-28. Review status: criteria provided, single submitter. Criteria: ACMG Guidelines, 2015. Collection method: clinical testing. Allele origin: germline. Inheritance: Autosomal dominant inheritance. Observed: 3 variant alleles, 3 heterozygotes.
Comment: This missense variant replaces arginine with lysine at codon 728 of the BRCA1 protein. Computational prediction suggests that this variant may not impact protein structure and function (internally defined REVEL score threshold <= 0.5, PMID: 27666373). To our knowledge, functional studies have not been reported for this variant. This variant has been detected in a breast cancer case-control meta-analysis in 2/60463 cases and 3/53461 unaffected individuals (PMID: 33471991; Leiden Open Variation Database DB-ID BRCA1_000189). A multifactorial analysis also has reported likelihood ratios for pathogenicity based on co-occurrence with a pathogenic variant and family history of 1.0331 and 0.1275, respectively (PMID: 31131967). This variant has been identified in 2/250524 chromosomes in the general population by the Genome Aggregation Database (gnomAD). The available evidence is insufficient to determine the role of this variant in disease conclusively. Therefore, this variant is classified as a Variant of Uncertain Significance.

This study involves interpretation of variants in research participants for the purpose of population health screening. Participant phenotype was not available at the time of variant classification. Additional details can be found in publication PMID: 35346344, PMCID: PMC8962531

University of Washington Department of Laboratory Medicine, University of Washington
Classification: Likely benign for Hereditary cancer-predisposing syndrome. Last evaluated: 2023-03-23. Review status: criteria provided, single submitter. Criteria: Dines et al. (Genet Med. 2020). Collection method: curation. Allele origin: germline.
Comment: Missense variant in a coldspot region where missense variants are very unlikely to be pathogenic (PMID:31911673).

BRCA1 coldspot (exon 11 using historical exon numbering). Reclassification based on statistical prior probability

Sema4
Classification: Uncertain significance for Hereditary cancer-predisposing syndrome. Last evaluated: 2021-11-26. Review status: criteria provided, single submitter. Criteria: Sema4 Curation Guidelines. Collection method: curation. Allele origin: germline.
Comment: To the best of our knowledge, the BRCA1 c.2183G>A (p.R728K) variant has not been reported in individuals with BRCA1-related disease. A multifactorial likelihood analysis suggested that this variant is likely to be benign (PMID: 31131967). It was observed in 2/113344 chromosomes of the Non-Finnish European subpopulation in the large and broad cohorts of the Genome Aggregation Database (PMID: 32461654). The variant has been reported in ClinVar (Variation ID: 54487). Functional studies have not been performed, and in silico predictions of the variant's effect on protein function are inconclusive. The evidence is insufficient to meet ACMG/AMP criteria for classifying the variant as benign or pathogenic. Thus, the clinical significance of this variant is currently uncertain.